The following is an entry in ClinVar:

NM_000051.4(ATM):c.3746+5G>A

Gene: ATM (ATM serine/threonine kinase; plus strand). Cytogenetic location: 11q22.3.
Variant type: single nucleotide variant.
Coding change: c.3746+5G>A on transcript NM_000051.4 (MANE Select); 5 bases into the intron after coding-DNA position 3746, G replaced by A.
Molecular consequence: intron variant.
Genome position (GRCh38, 1-based): chr11:108,282,884, G>A. VCF-style: chr11-108282884-G-A. GRCh37 (hg19) VCF-style: chr11-108153611-G-A.
Other names: c.3746+5G>A (NM_001351834.2).
Identifiers: ClinVar variation 230159 (VCV000230159.19), dbSNP rs876658419, ClinGen allele CA10579121.
Genomic context (GRCh38, chr11:108,282,884, plus strand): 5'-TTATCTTCTTTTCCTTTTATTTTATTAAACTACACAAATATTGAGGATTTCTATAGGTAA[G>A]TTTATACATGACATATGTGAAATTTGTTTAATTTAAAATTAGTTAACAATACTTAGCAAG-3'

ClinVar aggregate classification (germline): Conflicting classifications of pathogenicity. Review status: criteria provided, conflicting classifications (1 of 4 stars). 4 submissions from 4 submitters: Pathogenic (1); Likely pathogenic (1); Uncertain significance (2). Last evaluated 2025-08-19.

Conditions:
Hereditary cancer-predisposing syndrome. Also called: Hereditary Cancer Syndrome; Neoplastic Syndromes, Hereditary; Tumor predisposition; Hereditary neoplastic syndrome. Identifiers: Orphanet 140162, MedGen C0027672, MeSH D009386, MONDO:0015356.
Ataxia-telangiectasia syndrome (AT). Also called: Ataxia telangiectasia (A-T); Ataxia-telangiectasia, complementation group E; LOUIS-BAR SYNDROME; Cerebello-oculocutaneous telangiectasia; Immunodeficiency with ataxia telangiectasia; Ataxia-telangiectasia, complementation group D. Identifiers: Orphanet 100, MedGen C0004135, MONDO:0008840, OMIM 208900.
Familial cancer of breast. Also called: Hereditary breast cancer; hereditary breast carcinoma; BREAST CANCER, FAMILIAL. Identifiers: Orphanet 227535, MedGen C0346153, MONDO:0016419, OMIM 114480. Disease mechanism: loss of function.

Submissions (4):

Color Diagnostics, LLC DBA Color Health
Classification: Uncertain significance for Hereditary cancer-predisposing syndrome. Last evaluated: 2025-08-19. Review status: criteria provided, single submitter. Criteria: ACMG Guidelines, 2015. Collection method: clinical testing. Allele origin: germline.
Comment: This variant causes a G to A nucleotide substitution at the +5 position of intron 25 of the ATM gene. Splice site prediction tools suggest that this variant may impact RNA splicing. This variant has also been reported to impact splicing (ClinVar Variation ID: 230159) and shown to cause complete out-of-frame skipping of exon 25 in a mini-gene assay containing exons 25-29 (PMID: 35716007). To our knowledge, this variant has not been reported in individuals affected with hereditary cancer in the literature. This variant has not been identified in the general population by the Genome Aggregation Database (gnomAD). Although there is suspicion that this variant may be associated with disease, additional studies are necessary to determine the role of this variant in disease conclusively. Therefore, this variant is classified as a Variant of Uncertain Significance.

Ambry Genetics
Classification: Likely pathogenic for Hereditary cancer-predisposing syndrome. Last evaluated: 2025-03-26. Review status: criteria provided, single submitter. Criteria: Ambry Variant Classification Scheme 2023. Collection method: clinical testing. Allele origin: germline.
Comment: The c.3746+5G>A intronic variant results from a G to A substitution 5 nucleotides after coding exon 24 in the ATM gene. This nucleotide position is well conserved in available vertebrate species. In silico splice site analysis for this alteration is inconclusive. RNA studies have demonstrated that this alteration results in abnormal splicing in the set of samples tested (Ambry internal data). This variant is considered to be rare based on population cohorts in the Genome Aggregation Database (gnomAD). Based on the majority of available evidence to date, this variant is likely to be pathogenic.

Labcorp Genetics (formerly Invitae), Labcorp
Classification: Pathogenic for Ataxia-telangiectasia syndrome. Last evaluated: 2024-10-23. Review status: criteria provided, single submitter. Criteria: Invitae Variant Classification Sherloc (09022015). Collection method: clinical testing. Allele origin: germline.
Comment: This sequence change falls in intron 25 of the ATM gene. It does not directly change the encoded amino acid sequence of the ATM protein. RNA analysis indicates that this variant induces altered splicing and may result in an absent or altered protein product. This variant is not present in population databases (gnomAD no frequency). This variant has not been reported in the literature in individuals affected with ATM-related conditions. ClinVar contains an entry for this variant (Variation ID: 230159). Variants that disrupt the consensus splice site are a relatively common cause of aberrant splicing (PMID: 17576681, 9536098). Studies have shown that this variant results in skipping of exon 25, and produces a non-functional protein and/or introduces a premature termination codon (internal data). For these reasons, this variant has been classified as Pathogenic.

Baylor Genetics
Classification: Uncertain significance for Familial cancer of breast. Last evaluated: 2024-01-22. Review status: criteria provided, single submitter. Criteria: ACMG Guidelines, 2015. Collection method: clinical testing. Allele origin: unknown.

Literature cited by the submitters: PubMed 35716007 (cited by Color Diagnostics, LLC DBA Color Health); PubMed 17576681 (cited by Labcorp Genetics (formerly Invitae), Labcorp); PubMed 9536098 (cited by Labcorp Genetics (formerly Invitae), Labcorp).